The following is an entry in ClinVar:

NM_201269.3(ZNF644):c.1988G>A (p.Arg663Gln)

Gene: ZNF644 (zinc finger protein 644; minus strand). Cytogenetic location: 1p22.2.
Variant type: single nucleotide variant.
Coding change: c.1988G>A on transcript NM_201269.3 (MANE Select); coding-DNA position 1988, G replaced by A.
Protein change: p.Arg663Gln; replaces arginine 663 with glutamine.
Molecular consequence: missense variant. On other transcripts: intron variant (2).
Genome position (GRCh38, 1-based): chr1:90,939,366, C>T on the plus strand (G>A on the coding strand, the complement: ZNF644 is on the minus strand). VCF-style: chr1-90939366-C-T. GRCh37 (hg19) VCF-style: chr1-91404923-C-T.
Other names: c.1988G>A, p.Arg663Gln (NM_001437610.1, NM_001437611.1, NM_001437612.1 and 1 more transcripts); c.23-21212G>A (NM_032186.5, NM_016620.4); short protein forms R663Q.
Identifiers: ClinVar variation 4533228 (VCV004533228.1).
Genomic context (GRCh38, chr1:90,939,366, plus strand): 5'-CTGTGTGGCCGCTTATGAATTTTTGAAAAACTACTTGATTGTGAGGTTGATCCAAATGTT[C>T]GCTTCACATCTTGTTTTAAAGCAGAGTTCTTTGGAAATGTGGTTGACTGTTGTTTAGTTA-3'
Protein context (NP_958357.1, residues 653-673): KNSALKQDVK[Arg663Gln]TFGSTSQSSS

ClinVar aggregate classification (germline): Likely benign (1 of 4 stars; one submission).

Conditions:
Myopia 21, autosomal dominant (MYP21). Identifiers: MedGen C3279997, MONDO:0013604, OMIM 614167.

gnomAD v4.1: 37 of 1,613,820 alleles (0.0023%); highest among the groups gnomAD compares: Non-Finnish European, 0.003%; 1 homozygote.

Submission:

Juno Genomics, Hangzhou Juno Genomics, Inc
Classification: Likely benign for Myopia 21, autosomal dominant. Review status: criteria provided, single submitter. Criteria: ACMG Guidelines, 2015. Collection method: clinical testing. Allele origin: germline. Affected: yes.
Comment: Absent from controls (or at extremely low frequency if recessive) in Genome Aggregation Database, Exome Sequencing Project, 1000 Genomes Project, or Exome Aggregation Consortium.;Observed in a healthy adult individual for a recessive (homozygous), dominant (heterozygous), or X-linked (hemizygous) disorder with full penetrance expected at an early age.